The following is an entry in ClinVar:

NM_005219.5(DIAPH1):c.3148+1G>T

Gene: DIAPH1 (diaphanous related formin 1; minus strand). Cytogenetic location: 5q31.3.
Variant type: single nucleotide variant.
Coding change: c.3148+1G>T on transcript NM_005219.5 (MANE Select); the canonical splice donor site of the intron after coding-DNA position 3148, G replaced by T.
Molecular consequence: splice donor variant.
Genome position (GRCh38, 1-based): chr5:141,528,452, C>A on the plus strand (G>T on the coding strand, the complement: DIAPH1 is on the minus strand). VCF-style: chr5-141528452-C-A. GRCh37 (hg19) VCF-style: chr5-140908019-C-A.
Other names: c.3121+1G>T (NM_001079812.3); c.3148+1G>T (NM_001314007.2).
Identifiers: ClinVar variation 4879530 (VCV004879530.1).

ClinVar aggregate classification (germline): Likely pathogenic (1 of 4 stars; one submission).

Conditions:
Progressive microcephaly-seizures-cortical blindness-developmental delay syndrome. Also called: Seizures, cortical blindness, and microcephaly syndrome. Identifiers: Orphanet 477814, MedGen C5567650, MONDO:0014714, OMIM 616632.

Submission:

Clinical Genomics Laboratory, Washington University in St. Louis
Classification: Likely pathogenic for Progressive microcephaly-seizures-cortical blindness-developmental delay syndrome. Last evaluated: 2025-10-30. Review status: criteria provided, single submitter. Criteria: ACMG Guidelines, 2015. Collection method: clinical testing. Allele origin: germline. Affected: yes.
Comment: The DIAPH1 c.3148+1G>T variant, to our knowledge, has not been reported in the medical literature and is absent from the general population (gnomAD v.4.1.0), indicating it is not a common variant. This variant occurs within the canonical splice donor site, which is predicted to cause skipping of the exon, leading to an out of frame transcript. Based on available information and the ACMG/AMP guidelines for variant interpretation (Rich ards S et al., PMID: 25741868), this variant is classified as likely pathogenic.